The following is an entry in ClinVar:

ClinVar aggregate classification (germline): Uncertain significance (1 of 4 stars; one submission).

Allele frequency attached by ClinVar (database versions not stated): gnomAD exomes below 0.00001; gnomAD 0.00001; TOPMed 0.00001.

Submission:

Ambry Genetics
Classification: Uncertain significance. Last evaluated: 2022-12-10. Review status: criteria provided, single submitter. Criteria: Ambry Variant Classification Scheme 2023. Collection method: clinical testing. Allele origin: germline.
Comment: The p.S445T variant (also known as c.1333T>A), located in coding exon 12 of the RAD54L gene, results from a T to A substitution at nucleotide position 1333. The serine at codon 445 is replaced by threonine, an amino acid with similar properties. This amino acid position is conserved. In addition, the in silico prediction for this alteration is inconclusive. Since supporting evidence is limited at this time, the clinical significance of this alteration remains unclear.

NM_003579.4(RAD54L):c.1333T>A (p.Ser445Thr)

Gene: RAD54L (RAD54 like; plus strand). Cytogenetic location: 1p34.1.
Variant type: single nucleotide variant.
Coding change: c.1333T>A on transcript NM_003579.4 (MANE Select); coding-DNA position 1333, T replaced by A.
Protein change: p.Ser445Thr; replaces serine 445 with threonine.
Molecular consequence: missense variant.
Genome position (GRCh38, 1-based): chr1:46,272,760, T>A. VCF-style: chr1-46272760-T-A. GRCh37 (hg19) VCF-style: chr1-46738432-T-A.
Other names: c.1333T>A, p.Ser445Thr (NM_001142548.2); c.793T>A, p.Ser265Thr (NM_001370766.1); short protein forms S265T, S445T.
Identifiers: ClinVar variation 2467257 (VCV002467257.2), dbSNP rs1375010683, ClinGen allele CA340179680.